The following is an entry in ClinVar:

NM_000083.3(CLCN1):c.2812C>T (p.Pro938Ser)

Gene: CLCN1 (chloride voltage-gated channel 1; plus strand). Cytogenetic location: 7q34.
Variant type: single nucleotide variant.
Coding change: c.2812C>T on transcript NM_000083.3 (MANE Select); coding-DNA position 2812, C replaced by T.
Protein change: p.Pro938Ser; replaces proline 938 with serine.
Molecular consequence: missense variant. On other transcripts: non-coding transcript variant (1).
Genome position (GRCh38, 1-based): chr7:143,351,810, C>T. VCF-style: chr7-143351810-C-T. GRCh37 (hg19) VCF-style: chr7-143048903-C-T.
Other names: short protein forms P938S.
Identifiers: ClinVar variation 2931814 (VCV002931814.3), dbSNP rs1245258761, ClinGen allele CA369653859.

ClinVar aggregate classification (germline): Uncertain significance (1 of 4 stars; one submission).

Conditions:
Congenital myotonia, autosomal dominant form (THD). Also called: THOMSEN DISEASE; Myotonia congenita autosomal dominant. Identifiers: Orphanet 614, MedGen C2936781, MONDO:0008055, OMIM 160800.
Congenital myotonia, autosomal recessive form. Also called: BECKER DISEASE; Becker Generalized Myotonia; myotonia congenita, autosomal recessive. Identifiers: Orphanet 614, MedGen C0751360, MONDO:0009715, OMIM 255700.

Allele frequency attached by ClinVar (database versions not stated): gnomAD 0.00001.
gnomAD v4.1: 1 of 1,613,984 alleles (0.000062%); highest among the groups gnomAD compares: African/African-American, 0.0013%; no homozygotes.

Submission:

Labcorp Genetics (formerly Invitae), Labcorp
Classification: Uncertain significance for Congenital myotonia, autosomal recessive form; Congenital myotonia, autosomal dominant form. Last evaluated: 2024-01-29. Review status: criteria provided, single submitter. Criteria: Invitae Variant Classification Sherloc (09022015). Collection method: clinical testing. Allele origin: germline.
Comment: This sequence change replaces proline, which is neutral and non-polar, with serine, which is neutral and polar, at codon 938 of the CLCN1 protein (p.Pro938Ser). This variant is present in population databases (no rsID available, gnomAD 0.01%). This variant has not been reported in the literature in individuals affected with CLCN1-related conditions. Advanced modeling of protein sequence and biophysical properties (such as structural, functional, and spatial information, amino acid conservation, physicochemical variation, residue mobility, and thermodynamic stability) performed at Invitae indicates that this missense variant is not expected to disrupt CLCN1 protein function with a negative predictive value of 95%. In summary, the available evidence is currently insufficient to determine the role of this variant in disease. Therefore, it has been classified as a Variant of Uncertain Significance.